The following is an entry in ClinVar:

NM_000548.5(TSC2):c.1131C>T (p.Ser377=)

Gene: TSC2 (TSC complex subunit 2; plus strand). Cytogenetic location: 16p13.3.
Variant type: single nucleotide variant.
Coding change: c.1131C>T on transcript NM_000548.5 (MANE Select); coding-DNA position 1131, C replaced by T.
Protein change: p.Ser377=; no amino-acid change (serine 377 retained).
Molecular consequence: synonymous variant.
Genome position (GRCh38, 1-based): chr16:2,061,882, C>T. VCF-style: chr16-2061882-C-T. GRCh37 (hg19) VCF-style: chr16-2111883-C-T.
Other names: p.S377S:AGC>AGT; c.1131C>T (NM_000548.4); c.1131C>T, p.Ser377= (NM_001077183.3, NM_001114382.3, NM_001363528.2 and 3 more transcripts); c.1020C>T, p.Ser340= (NM_001318827.2); c.984C>T, p.Ser328= (NM_001318829.2); c.531C>T, p.Ser177= (NM_001318831.2); c.1164C>T, p.Ser388= (NM_001318832.2).
Identifiers: ClinVar variation 207656 (VCV000207656.22), dbSNP rs201525586, ClinGen allele CA028548.

ClinVar aggregate classification (germline): Benign/Likely benign. Review status: criteria provided, multiple submitters, no conflicts (2 of 4 stars). 9 submissions from 9 submitters: Benign (5); Likely benign (3). 1 of the submissions does not count toward it. Last evaluated 2026-01-03.

Conditions:
Tuberous sclerosis 2 (TSC2). Identifiers: Orphanet 805, MedGen C1860707, MONDO:0013199, OMIM 613254.
Lymphangiomyomatosis (LAM). Also called: Lymphangioleiomyomatosis, somatic; Lymphangioleiomyomatosis. Identifiers: Orphanet 538, MedGen C0751674, MONDO:0011705, OMIM 606690.
Isolated focal cortical dysplasia type II (FCORD2). Also called: CORTICAL DYSPLASIA OF TAYLOR; Focal cortical dysplasia type II. Identifiers: Orphanet 268994, MedGen C1846385, MONDO:0011818, OMIM 607341, HP:0032051.
TSC2-related disorder. Also called: TSC2-Related Disorders; TSC2-related condition.
Hereditary cancer-predisposing syndrome. Also called: Neoplastic Syndromes, Hereditary; Hereditary Cancer Syndrome; Tumor predisposition; Hereditary neoplastic syndrome. Identifiers: Orphanet 140162, MedGen C0027672, MeSH D009386, MONDO:0015356.
Tuberous sclerosis syndrome (TSC). Also called: Tuberous Sclerosis Complex; Tuberous sclerosis. Identifiers: Orphanet 805, MedGen C0041341, MONDO:0001734.

Allele frequency attached by ClinVar (database versions not stated): gnomAD exomes 0.00004 and 0.00007; ExAC 0.00008; 1000 Genomes Project 30x 0.00031; 1000 Genomes Project 0.00040.
gnomAD v4.1: 58 of 1,614,126 alleles (0.0036%); highest among the groups gnomAD compares: South Asian, 0.058%; 1 homozygote.

Submissions (9):

Labcorp Genetics (formerly Invitae), Labcorp
Classification: Benign for Tuberous sclerosis 2. Last evaluated: 2026-01-03. Review status: criteria provided, single submitter. Criteria: Invitae Variant Classification Sherloc (09022015). Collection method: clinical testing. Allele origin: germline.

Myriad Genetics, Inc.
Classification: Benign for Tuberous sclerosis 2. Last evaluated: 2025-05-13. Review status: criteria provided, single submitter. Criteria: Myriad Autosomal Dominant, Autosomal Recessive and X-Linked Classification Criteria (2023). Collection method: clinical testing. Allele origin: unknown.
Comment: This variant is considered benign. This variant is a silent/synonymous amino acid change and it is not expected to impact splicing.

Blueprint Genetics
Classification: Likely benign. Last evaluated: 2023-09-21. Review status: criteria provided, single submitter. Criteria: ACMG Guidelines, 2015. Collection method: clinical testing. Allele origin: germline.

All of Us Research Program, National Institutes of Health
Classification: Benign for Tuberous sclerosis syndrome. Last evaluated: 2023-02-15. Review status: criteria provided, single submitter. Criteria: ACMG Guidelines, 2015. Collection method: clinical testing. Allele origin: germline. Inheritance: Autosomal dominant inheritance. Observed: 1 variant allele, 1 heterozygote.
Comment: This study involves interpretation of variants in research participants for the purpose of population health screening. Participant phenotype was not available at the time of variant classification. Additional details can be found in publication PMID: 35346344, PMCID: PMC8962531

Fulgent Genetics
Classification: Likely benign for Lymphangiomyomatosis; Isolated focal cortical dysplasia type II; Tuberous sclerosis 2. Last evaluated: 2022-05-17. Review status: criteria provided, single submitter. Criteria: ACMG Guidelines, 2015. Collection method: clinical testing. Allele origin: unknown.

Genome-Nilou Lab
Classification: Benign for Tuberous sclerosis 2. Last evaluated: 2021-11-07. Review status: criteria provided, single submitter. Criteria: ACMG Guidelines, 2015. Collection method: clinical testing. Allele origin: germline. Affected: no.

Ambry Genetics
Classification: Likely benign for Hereditary cancer-predisposing syndrome. Last evaluated: 2016-05-16. Review status: criteria provided, single submitter. Criteria: Ambry Variant Classification Scheme 2023. Collection method: clinical testing. Allele origin: germline.

GeneDx
Classification: Benign. Last evaluated: 2015-01-12. Review status: criteria provided, single submitter. Criteria: GeneDx Variant Classification (06012015). Collection method: clinical testing. Allele origin: germline. Affected: yes.
Comment: This variant is considered likely benign or benign based on one or more of the following criteria: it is a conservative change, it occurs at a poorly conserved position in the protein, it is predicted to be benign by multiple in silico algorithms, and/or has population frequency not consistent with disease.

PreventionGenetics, part of Exact Sciences
Classification: Likely benign for TSC2-related condition. Last evaluated: 2024-04-17. Review status: no assertion criteria provided. Collection method: clinical testing. Allele origin: germline. Not counted in ClinVar's aggregate classification.
Comment: This variant is classified as likely benign based on ACMG/AMP sequence variant interpretation guidelines (Richards et al. 2015 PMID: 25741868, with internal and published modifications).